The following is an entry in ClinVar:

ClinVar aggregate classification (germline): Likely benign (0 of 4 stars; one submission).

Conditions:
LHFPL6-related disorder. Also called: LHFPL6-related condition.

Allele frequency attached by ClinVar (database versions not stated): 1000 Genomes Project 0.00020; 1000 Genomes Project 30x 0.00031.
gnomAD v4.1: 113 of 1,611,928 alleles (0.007%); highest among the groups gnomAD compares: Admixed American, 0.15%; no homozygotes.

Submission:

PreventionGenetics, part of Exact Sciences
Classification: Likely benign for LHFPL6-related condition. Last evaluated: 2019-07-24. Review status: no assertion criteria provided. Collection method: clinical testing. Allele origin: germline.
Comment: This variant is classified as likely benign based on ACMG/AMP sequence variant interpretation guidelines (Richards et al. 2015 PMID: 25741868, with internal and published modifications).

NM_005780.3(LHFPL6):c.386-4G>A

Gene: LHFPL6 (LHFPL tetraspan subfamily member 6; minus strand). Cytogenetic location: 13q13.3.
Variant type: single nucleotide variant.
Coding change: c.386-4G>A on transcript NM_005780.3 (MANE Select); 4 bases into the intron before coding-DNA position 386, G replaced by A.
Molecular consequence: intron variant.
Genome position (GRCh38, 1-based): chr13:39,378,530, C>T on the plus strand (G>A on the coding strand, the complement: LHFPL6 is on the minus strand). VCF-style: chr13-39378530-C-T. GRCh37 (hg19) VCF-style: chr13-39952667-C-T.
Identifiers: ClinVar variation 3035732 (VCV003035732.2), dbSNP rs187660812, ClinGen allele CA6958001.
Genomic context (GRCh38, chr13:39,378,530, plus strand): 5'-CTTCCTCACTGTCCCAGCCCAAGGGGTAGAGGGCACAGCCAGCACCAATCAACAAGCCTG[C>T]AAAGAGATAAGACAAGAGGGCTTTACCAGTGCTTCTCTGCATCACTAGATAAAGGTGGTG-3'